The following is an entry in ClinVar:

ClinVar aggregate classification (germline): Uncertain significance (1 of 4 stars; one submission).

gnomAD v4.1: 2 of 1,614,162 alleles (0.00012%); highest among the groups gnomAD compares: Non-Finnish European, 0.00017%; no homozygotes.

Submission:

Labcorp Genetics (formerly Invitae), Labcorp
Classification: Uncertain significance. Last evaluated: 2023-10-22. Review status: criteria provided, single submitter. Criteria: Invitae Variant Classification Sherloc (09022015). Collection method: clinical testing. Allele origin: germline.
Comment: This sequence change replaces proline, which is neutral and non-polar, with serine, which is neutral and polar, at codon 814 of the FLNB protein (p.Pro814Ser). This variant is not present in population databases (gnomAD no frequency). This variant has not been reported in the literature in individuals affected with FLNB-related conditions. Advanced modeling of protein sequence and biophysical properties (such as structural, functional, and spatial information, amino acid conservation, physicochemical variation, residue mobility, and thermodynamic stability) performed at Invitae indicates that this missense variant is not expected to disrupt FLNB protein function. In summary, the available evidence is currently insufficient to determine the role of this variant in disease. Therefore, it has been classified as a Variant of Uncertain Significance.

NM_001457.4(FLNB):c.2440C>T (p.Pro814Ser)

Gene: FLNB (filamin B; plus strand). Cytogenetic location: 3p14.3.
Variant type: single nucleotide variant.
Coding change: c.2440C>T on transcript NM_001457.4 (MANE Select); coding-DNA position 2440, C replaced by T.
Protein change: p.Pro814Ser; replaces proline 814 with serine.
Molecular consequence: missense variant.
Genome position (GRCh38, 1-based): chr3:58,110,126, C>T. VCF-style: chr3-58110126-C-T. GRCh37 (hg19) VCF-style: chr3-58095853-C-T.
Other names: c.2440C>T, p.Pro814Ser (NM_001164317.2, NM_001164318.2, NM_001164319.2); short protein forms P814S.
Identifiers: ClinVar variation 2992282 (VCV002992282.3), dbSNP rs2097265976, ClinGen allele CA353344876.